The following is an entry in ClinVar:

ClinVar aggregate classification (germline): Uncertain significance. Review status: criteria provided, multiple submitters, no conflicts (2 of 4 stars). 2 submissions from 2 submitters: Uncertain significance (2). Last evaluated 2026-04-30.

Conditions:
Inborn genetic diseases. Identifiers: MedGen C0950123, MeSH D030342.
AP1B1-related disorder. Also called: AP1B1-related condition.

Allele frequency attached by ClinVar (database versions not stated): gnomAD 0.00002; ExAC 0.00003; TOPMed 0.00003.

Submissions (2):

PreventionGenetics, part of Exact Sciences
Classification: Uncertain significance for AP1B1-related condition. Last evaluated: 2026-04-30. Review status: criteria provided, single submitter. Criteria: ACMG Guidelines, 2015. Collection method: clinical testing. Allele origin: germline.
Comment: The AP1B1 c.1537G>T variant is predicted to result in the amino acid substitution p.Asp513Tyr. To our knowledge, this variant has not been reported in the literature. This variant is reported in 0.020% of alleles in individuals of Latino descent in gnomAD. At this time, the clinical significance of this variant is uncertain due to the absence of conclusive functional and genetic evidence.

Ambry Genetics
Classification: Uncertain significance for Inborn genetic diseases. Last evaluated: 2025-08-23. Review status: criteria provided, single submitter. Criteria: Ambry Variant Classification Scheme 2023. Collection method: clinical testing. Allele origin: germline.

NM_001127.4(AP1B1):c.1537G>T (p.Asp513Tyr)

Gene: AP1B1 (adaptor related protein complex 1 subunit beta 1; minus strand). Cytogenetic location: 22q12.2.
Variant type: single nucleotide variant.
Coding change: c.1537G>T on transcript NM_001127.4 (MANE Select); coding-DNA position 1537, G replaced by T.
Protein change: p.Asp513Tyr; replaces aspartic acid 513 with tyrosine.
Molecular consequence: missense variant.
Genome position (GRCh38, 1-based): chr22:29,341,760, C>A on the plus strand (G>T on the coding strand, the complement: AP1B1 is on the minus strand). VCF-style: chr22-29341760-C-A. GRCh37 (hg19) VCF-style: chr22-29737749-C-A.
Other names: c.1537G>T, p.Asp513Tyr (NM_001166019.2, NM_001378562.1, NM_001378563.1 and 2 more transcripts); c.1366G>T, p.Asp456Tyr (NM_001378564.1, NM_001378565.1); short protein forms D513Y, D456Y.
Identifiers: ClinVar variation 2359864 (VCV002359864.4), dbSNP rs771243553, ClinGen allele CA10173090.